The following is an entry in ClinVar:

NM_198525.3(KIF7):c.1967G>A (p.Gly656Glu)

Gene: KIF7 (kinesin family member 7; minus strand). Cytogenetic location: 15q26.1.
Variant type: single nucleotide variant.
Coding change: c.1967G>A on transcript NM_198525.3 (MANE Select); coding-DNA position 1967, G replaced by A.
Protein change: p.Gly656Glu; replaces glycine 656 with glutamic acid.
Molecular consequence: missense variant.
Genome position (GRCh38, 1-based): chr15:89,645,407, C>T on the plus strand (G>A on the coding strand, the complement: KIF7 is on the minus strand). VCF-style: chr15-89645407-C-T. GRCh37 (hg19) VCF-style: chr15-90188638-C-T.
Other names: short protein forms G656E.
Identifiers: ClinVar variation 2129926 (VCV002129926.4), dbSNP rs2505480443, ClinGen allele CA393764306.

ClinVar aggregate classification (germline): Uncertain significance (1 of 4 stars; one submission).

Conditions:
Acrocallosal syndrome (ACLS). Also called: HALLUX DUPLICATION, POSTAXIAL POLYDACTYLY, AND ABSENCE OF CORPUS CALLOSUM; Schinzel syndrome 1; Absence of corpus callosum with unusual facial appearance, mental deficiency, duplication of the halluces and polydactyly. Identifiers: Orphanet 36, MedGen C0796147, MONDO:0008708, OMIM 200990.

Submission:

Labcorp Genetics (formerly Invitae), Labcorp
Classification: Uncertain significance for Acrocallosal syndrome. Last evaluated: 2022-04-24. Review status: criteria provided, single submitter. Criteria: Invitae Variant Classification Sherloc (09022015). Collection method: clinical testing. Allele origin: germline.
Comment: In summary, the available evidence is currently insufficient to determine the role of this variant in disease. Therefore, it has been classified as a Variant of Uncertain Significance. Algorithms developed to predict the effect of missense changes on protein structure and function output the following: SIFT: "Tolerated"; PolyPhen-2: "Benign"; Align-GVGD: "Class C0". The glutamic acid amino acid residue is found in multiple mammalian species, which suggests that this missense change does not adversely affect protein function. This variant has not been reported in the literature in individuals affected with KIF7-related conditions. This variant is not present in population databases (gnomAD no frequency). This sequence change replaces glycine, which is neutral and non-polar, with glutamic acid, which is acidic and polar, at codon 656 of the KIF7 protein (p.Gly656Glu).